The following is an entry in ClinVar:

ClinVar aggregate classification (germline): Uncertain significance (1 of 4 stars; one submission).

Conditions:
Citrullinemia. Identifiers: Orphanet 187, MedGen C0175683, MONDO:0015991.

Submission:

Labcorp Genetics (formerly Invitae), Labcorp
Classification: Uncertain significance for Citrullinemia. Last evaluated: 2023-10-13. Review status: criteria provided, single submitter. Criteria: Invitae Variant Classification Sherloc (09022015). Collection method: clinical testing. Allele origin: germline.
Comment: This sequence change replaces asparagine, which is neutral and polar, with serine, which is neutral and polar, at codon 218 of the ASS1 protein (p.Asn218Ser). This variant is not present in population databases (gnomAD no frequency). This variant has not been reported in the literature in individuals affected with ASS1-related conditions. ClinVar contains an entry for this variant (Variation ID: 2167558). Advanced modeling of protein sequence and biophysical properties (such as structural, functional, and spatial information, amino acid conservation, physicochemical variation, residue mobility, and thermodynamic stability) performed at Invitae indicates that this missense variant is not expected to disrupt ASS1 protein function. In summary, the available evidence is currently insufficient to determine the role of this variant in disease. Therefore, it has been classified as a Variant of Uncertain Significance.

NM_054012.4(ASS1):c.653A>G (p.Asn218Ser)

Gene: ASS1 (argininosuccinate synthase 1; plus strand). Cytogenetic location: 9q34.11.
Variant type: single nucleotide variant.
Coding change: c.653A>G on transcript NM_054012.4 (MANE Select); coding-DNA position 653, A replaced by G.
Protein change: p.Asn218Ser; replaces asparagine 218 with serine.
Molecular consequence: missense variant.
Genome position (GRCh38, 1-based): chr9:130,476,926, A>G. VCF-style: chr9-130476926-A-G. GRCh37 (hg19) VCF-style: chr9-133352313-A-G.
Other names: c.653A>G, p.Asn218Ser (NM_000050.4); short protein forms N218S.
Identifiers: ClinVar variation 2167558 (VCV002167558.4), dbSNP rs2490582061, ClinGen allele CA375228501.